The following is an entry in ClinVar:

ClinVar aggregate classification (germline): Benign. Review status: criteria provided, multiple submitters, no conflicts (2 of 4 stars). 3 submissions from 3 submitters: Benign (2). 1 of the submissions does not count toward it. Last evaluated 2024-11-25.

Conditions:
CSNK2A1-related disorder. Also called: CSNK2A1-related condition; CSNK2A1- Related Disorders.

Allele frequency attached by ClinVar (database versions not stated): gnomAD exomes 0.00062 and 0.00096; ESP Exome Variant Server 0.00069; gnomAD 0.00070 and 0.00071; TOPMed 0.00077; ExAC 0.00100.
gnomAD v4.1: 1,042 of 1,610,634 alleles (0.065%); highest among the groups gnomAD compares: Middle Eastern, 0.086%; 1 homozygote.

Submissions (3):

Blueprint Genetics
Classification: Benign. Last evaluated: 2024-11-25. Review status: criteria provided, single submitter. Criteria: ACMG Guidelines, 2015. Collection method: clinical testing. Allele origin: germline.

GeneDx
Classification: Benign. Last evaluated: 2019-04-08. Review status: criteria provided, single submitter. Criteria: GeneDx Variant Classification Process June 2021. Collection method: clinical testing. Allele origin: germline. Affected: yes.

PreventionGenetics, part of Exact Sciences
Classification: Benign for CSNK2A1-related condition. Last evaluated: 2019-06-07. Review status: no assertion criteria provided. Collection method: clinical testing. Allele origin: germline. Not counted in ClinVar's aggregate classification.
Comment: This variant is classified as benign based on ACMG/AMP sequence variant interpretation guidelines (Richards et al. 2015 PMID: 25741868, with internal and published modifications).

NM_177559.3(CSNK2A1):c.*2G>A

Gene: CSNK2A1 (casein kinase 2 alpha 1; minus strand). Cytogenetic location: 20p13.
Variant type: single nucleotide variant.
Coding change: c.*2G>A on transcript NM_177559.3 (MANE Select); 2 bases downstream of the stop codon, G replaced by A.
Molecular consequence: 3 prime UTR variant.
Genome position (GRCh38, 1-based): chr20:483,959, C>T on the plus strand (G>A on the coding strand, the complement: CSNK2A1 is on the minus strand). VCF-style: chr20-483959-C-T. GRCh37 (hg19) VCF-style: chr20-464603-C-T.
Other names: c.*2G>A (NM_001362770.2, NM_001362771.2, NM_001895.4 and 2 more transcripts).
Identifiers: ClinVar variation 1249520 (VCV001249520.5), dbSNP rs142948288, ClinGen allele CA9723772.